The following is an entry in ClinVar:

ClinVar aggregate classification (germline): Uncertain significance (1 of 4 stars; one submission).

Conditions:
Epilepsy, childhood absence, susceptibility to, 6. Identifiers: Orphanet 64280, MedGen C2749872, MONDO:0012763, OMIM 611942.
Hyperaldosteronism, familial, type IV (HALD4). Also called: FH IV; ALDOSTERONISM, PRIMARY, AND HYPERTENSION. Identifiers: Orphanet 642671, MedGen C4310756, MONDO:0014875, OMIM 617027.

Submission:

Juno Genomics, Hangzhou Juno Genomics, Inc
Classification: Uncertain significance for Epilepsy, childhood absence, susceptibility to, 6; Hyperaldosteronism, familial, type IV. Review status: criteria provided, single submitter. Criteria: ACMG Guidelines, 2015. Collection method: clinical testing. Allele origin: germline.
Comment: Absent from controls (or at extremely low frequency if recessive) in Genome Aggregation Database.

NM_021098.3(CACNA1H):c.5785A>C (p.Asn1929His)

Gene: CACNA1H (calcium voltage-gated channel subunit alpha1 H; plus strand). Cytogenetic location: 16p13.3.
Variant type: single nucleotide variant.
Coding change: c.5785A>C on transcript NM_021098.3 (MANE Select); coding-DNA position 5785, A replaced by C.
Protein change: p.Asn1929His; replaces asparagine 1929 with histidine.
Molecular consequence: missense variant.
Genome position (GRCh38, 1-based): chr16:1,218,549, A>C. VCF-style: chr16-1218549-A-C. GRCh37 (hg19) VCF-style: chr16-1268549-A-C.
Other names: c.5767A>C, p.Asn1923His (NM_001005407.2); short protein forms N1923H, N1929H.
Identifiers: ClinVar variation 5005505 (VCV005005505.2).
Genomic context (GRCh38, chr16:1,218,549, plus strand): 5'-AGGGACGCCCCAAACCTGGTTGCACGCAAGGTGTCCGTGTCCAGGATGCTCTCGCTGCCC[A>C]ACGACAGCTACATGTTCAGGCCCGTGGTGCCTGCCTCGGCGCCCCACCCCCGCCCGCTGC-3'
Protein context (NP_066921.2, residues 1919-1939): VSVSRMLSLP[Asn1929His]DSYMFRPVVP